The following is an entry in ClinVar:

NM_144573.4(NEXN):c.1046G>C (p.Arg349Thr)

Gene: NEXN (nexilin F-actin binding protein; plus strand). Cytogenetic location: 1p31.1.
Variant type: single nucleotide variant.
Coding change: c.1046G>C on transcript NM_144573.4 (MANE Select); coding-DNA position 1046, G replaced by C.
Protein change: p.Arg349Thr; replaces arginine 349 with threonine.
Molecular consequence: missense variant.
Genome position (GRCh38, 1-based): chr1:77,929,497, G>C. VCF-style: chr1-77929497-G-C. GRCh37 (hg19) VCF-style: chr1-78395182-G-C.
Other names: c.854G>C, p.Arg285Thr (NM_001172309.2); short protein forms R349T, R285T.
Identifiers: ClinVar variation 649140 (VCV000649140.12), dbSNP rs898035834, ClinGen allele CA24681195.

ClinVar aggregate classification (germline): Uncertain significance. Review status: criteria provided, multiple submitters, no conflicts (2 of 4 stars). 3 submissions from 3 submitters: Uncertain significance (3). Last evaluated 2023-09-08.

Conditions:
Cardiovascular phenotype. Identifiers: MedGen CN230736.
Dilated cardiomyopathy 1CC (CMD1CC). Identifiers: Orphanet 154, MedGen C2751084, MONDO:0013147, OMIM 613122.
Hypertrophic cardiomyopathy 20. Identifiers: MedGen C3151267, MONDO:0013477, OMIM 613876.

Allele frequency attached by ClinVar (database versions not stated): TOPMed 0.00001; gnomAD 0.00002.
gnomAD v4.1: 5 of 1,612,264 alleles (0.00031%); highest among the groups gnomAD compares: African/African-American, 0.0067%; no homozygotes.

Submissions (3):

Ambry Genetics
Classification: Uncertain significance for Cardiovascular phenotype. Last evaluated: 2023-09-08. Review status: criteria provided, single submitter. Criteria: Ambry Variant Classification Scheme 2023. Collection method: clinical testing. Allele origin: germline.
Comment: The p.R349T variant (also known as c.1046G>C), located in coding exon 8 of the NEXN gene, results from a G to C substitution at nucleotide position 1046. The arginine at codon 349 is replaced by threonine, an amino acid with similar properties. This amino acid position is not well conserved in available vertebrate species. In addition, this alteration is predicted to be tolerated by in silico analysis. Since supporting evidence is limited at this time, the clinical significance of this alteration remains unclear.

Fulgent Genetics
Classification: Uncertain significance for Dilated cardiomyopathy 1CC; Hypertrophic cardiomyopathy 20. Last evaluated: 2021-09-20. Review status: criteria provided, single submitter. Criteria: ACMG Guidelines, 2015. Collection method: clinical testing. Allele origin: unknown.

Labcorp Genetics (formerly Invitae), Labcorp
Classification: Uncertain significance for Dilated cardiomyopathy 1CC; Hypertrophic cardiomyopathy 20. Last evaluated: 2019-07-04. Review status: criteria provided, single submitter. Criteria: Invitae Variant Classification Sherloc (09022015). Collection method: clinical testing. Allele origin: germline.
Comment: In summary, the available evidence is currently insufficient to determine the role of this variant in disease. Therefore, it has been classified as a Variant of Uncertain Significance. Algorithms developed to predict the effect of missense changes on protein structure and function are either unavailable or do not agree on the potential impact of this missense change (SIFT: "Deleterious"; PolyPhen-2: "Benign"; Align-GVGD: "Class C0"). This variant has not been reported in the literature in individuals with NEXN-related disease. This variant is not present in population databases (ExAC no frequency). This sequence change replaces arginine with threonine at codon 349 of the NEXN protein (p.Arg349Thr). The arginine residue is moderately conserved and there is a moderate physicochemical difference between arginine and threonine.